The following is an entry in ClinVar:

ClinVar aggregate classification (germline): Conflicting classifications of pathogenicity. Review status: criteria provided, conflicting classifications (1 of 4 stars). 3 submissions from 3 submitters: Uncertain significance (1); Likely benign (2). Last evaluated 2025-10-20.

Conditions:
Inborn genetic diseases. Identifiers: MedGen C0950123, MeSH D030342.
Familial sleep-related hypermotor epilepsy. Also called: Autosomal Dominant Sleep-Related Hypermotor (Hyperkinetic) Epilepsy. Identifiers: Orphanet 98784, MedGen C3696898, MONDO:0000030.

Allele frequency attached by ClinVar (database versions not stated): gnomAD 0.00001 and 0.00003; ExAC 0.00002; TOPMed 0.00001; gnomAD exomes 0.00002.
gnomAD v4.1: 22 of 1,613,126 alleles (0.0014%); highest among the groups gnomAD compares: South Asian, 0.0055%; 1 homozygote.

Submissions (3):

Labcorp Genetics (formerly Invitae), Labcorp
Classification: Uncertain significance. Last evaluated: 2025-10-20. Review status: criteria provided, single submitter. Criteria: Invitae Variant Classification Sherloc (09022015). Collection method: clinical testing. Allele origin: germline.
Comment: This sequence change replaces arginine, which is basic and polar, with tryptophan, which is neutral and slightly polar, at codon 369 of the CHRNA4 protein (p.Arg369Trp). This variant is present in population databases (rs201224423, gnomAD 0.008%). This variant has not been reported in the literature in individuals affected with CHRNA4-related conditions. ClinVar contains an entry for this variant (Variation ID: 848418). Invitae Evidence Modeling of protein sequence and biophysical properties (such as structural, functional, and spatial information, amino acid conservation, physicochemical variation, residue mobility, and thermodynamic stability) indicates that this missense variant is not expected to disrupt CHRNA4 protein function with a negative predictive value of 80%. In summary, the available evidence is currently insufficient to determine the role of this variant in disease. Therefore, it has been classified as a Variant of Uncertain Significance.

Ambry Genetics
Classification: Likely benign for Inborn genetic diseases. Last evaluated: 2024-10-24. Review status: criteria provided, single submitter. Criteria: Ambry Variant Classification Scheme 2023. Collection method: clinical testing. Allele origin: germline.

GeneDx
Classification: Likely benign. Last evaluated: 2020-07-28. Review status: criteria provided, single submitter. Criteria: GeneDx Variant Classification Process June 2021. Collection method: clinical testing. Allele origin: germline. Affected: yes.

NM_000744.7(CHRNA4):c.1105C>T (p.Arg369Trp)

Gene: CHRNA4 (cholinergic receptor nicotinic alpha 4 subunit; minus strand). Cytogenetic location: 20q13.33.
Variant type: single nucleotide variant.
Coding change: c.1105C>T on transcript NM_000744.7 (MANE Select); coding-DNA position 1105, C replaced by T.
Protein change: p.Arg369Trp; replaces arginine 369 with tryptophan.
Molecular consequence: missense variant. On other transcripts: non-coding transcript variant (1).
Genome position (GRCh38, 1-based): chr20:63,350,306, G>A on the plus strand (C>T on the coding strand, the complement: CHRNA4 is on the minus strand). VCF-style: chr20-63350306-G-A. GRCh37 (hg19) VCF-style: chr20-61981658-G-A.
Other names: c.577C>T, p.Arg193Trp (NM_001256573.2); short protein forms R193W, R369W.
Identifiers: ClinVar variation 848418 (VCV000848418.10), dbSNP rs201224423, ClinGen allele CA9957656.
Genomic context (GRCh38, chr20:63,350,306, plus strand): 5'-CTGGCTCGGGCCAGAAGCGCGGGGCACTGGCCATCTTATGCATGGACTCGATGAGCCGCC[G>A]GCAATTGTCCTTGACCACGGACGGCCGCTTCATGAGGAGCAGGCGTGGCACGATGTCCAG-3'
Protein context (NP_000735.1, residues 359-379): KRPSVVKDNC[Arg369Trp]RLIESMHKMA